The following is an entry in ClinVar:

ClinVar aggregate classification (germline): Uncertain significance (1 of 4 stars; one submission).

Conditions:
Heterotopia, periventricular, X-linked dominant (PVNH1). Also called: PERIVENTRICULAR NODULAR HETEROTOPIA 4; HETEROTOPIA, PERIVENTRICULAR, 1; PERIVENTRICULAR NODULAR HETEROTOPIA 1; X-linked periventricular heterotopia. Identifiers: Orphanet 2149, Orphanet 82004, MedGen C1848213, MONDO:0010233, OMIM 300049.
Oto-palato-digital syndrome, type II (OPD2). Also called: Otopalatodigital Syndrome, Type II; FACIOPALATOOSSEOUS SYNDROME; OPD II SYNDROME; Otopalatodigital Syndrome Type 2 (FLNA-OPD2). Identifiers: Orphanet 669, Orphanet 90652, MedGen C1844696, MONDO:0010571, OMIM 304120.
Melnick-Needles syndrome (MNS). Also called: MELNICK-NEEDLES OSTEODYSPLASTY; OSTEODYSPLASTY OF MELNICK AND NEEDLES; Melnick-Needles Syndrome (FLNA-MNS). Identifiers: Orphanet 2484, MedGen C0025237, MONDO:0010650, OMIM 309350.
Frontometaphyseal dysplasia (FMD1). Identifiers: Orphanet 1826, MedGen C0265293, MONDO:0015942.

Submission:

Labcorp Genetics (formerly Invitae), Labcorp
Classification: Uncertain significance for Oto-palato-digital syndrome, type II; Heterotopia, periventricular, X-linked dominant; Frontometaphyseal dysplasia; Melnick-Needles syndrome. Last evaluated: 2025-07-20. Review status: criteria provided, single submitter. Criteria: Invitae Variant Classification Sherloc (09022015). Collection method: clinical testing. Allele origin: germline.
Comment: This variant, c.1838_1840del, results in the deletion of 1 amino acid(s) of the FLNA protein (p.Val613del), but otherwise preserves the integrity of the reading frame. This variant is not present in population databases (gnomAD no frequency). This variant has not been reported in the literature in individuals affected with FLNA-related conditions. Experimental studies and prediction algorithms are not available or were not evaluated, and the functional significance of this variant is currently unknown. In summary, the available evidence is currently insufficient to determine the role of this variant in disease. Therefore, it has been classified as a Variant of Uncertain Significance.

NM_001110556.2(FLNA):c.1838_1840del (p.Val613del)

Gene: FLNA (filamin A; minus strand). Cytogenetic location: Xq28.
Variant type: Deletion.
Coding change: c.1838_1840del on transcript NM_001110556.2 (MANE Select); coding-DNA positions 1838 to 1840, 3 bases deleted (TGG; older notation c.1838_1840delTGG).
Protein change: p.Val613del; deletes valine 613.
Genome position (GRCh38, 1-based): chrX:154,364,708-154,364,710, CCA deleted on the plus strand (TGG on the coding strand, the reverse complement: FLNA is on the minus strand); deleting any 3 consecutive bases within chrX:154,364,708-154,364,712 gives the same sequence; the c. name uses the placement nearest the transcript's 3' end. VCF-style (leftmost placement, unchanged base first): chrX-154364707-TCCA-T. GRCh37 (hg19) VCF-style: chrX-153593075-TCCA-T.
Other names: c.1838_1840del, p.Val613del (NM_001456.4); short protein forms V613del.
Identifiers: ClinVar variation 4785514 (VCV004785514.1).